The following is an entry in ClinVar:

ClinVar aggregate classification (germline): Pathogenic (1 of 4 stars; one submission).

Submission:

GeneDx
Classification: Pathogenic. Last evaluated: 2024-10-18. Review status: criteria provided, single submitter. Criteria: GeneDx Variant Classification Process June 2021. Collection method: clinical testing. Allele origin: germline. Affected: yes.
Comment: Not observed at significant frequency in large population cohorts (gnomAD); Nonsense variant predicted to result in protein truncation or nonsense mediated decay in a gene for which loss of function is a known mechanism of disease; This variant is associated with the following publications: (PMID: 34400560)

NM_004415.4(DSP):c.4054A>T (p.Arg1352Ter)

Gene: DSP (desmoplakin; plus strand). Cytogenetic location: 6p24.3.
Variant type: single nucleotide variant.
Coding change: c.4054A>T on transcript NM_004415.4 (MANE Select); coding-DNA position 4054, A replaced by T.
Protein change: p.Arg1352Ter; replaces arginine 1352 with a stop codon.
Molecular consequence: nonsense. On other transcripts: intron variant (2).
Genome position (GRCh38, 1-based): chr6:7,580,244, A>T. VCF-style: chr6-7580244-A-T. GRCh37 (hg19) VCF-style: chr6-7580477-A-T.
Other names: p.R1352*:AGA>TGA; c.4054A>T (LRG_423t1); c.4050+4A>T (NM_001319034.2); c.3582+472A>T (NM_001008844.3); short protein forms R1352*.
Identifiers: ClinVar variation 199882 (VCV000199882.3), dbSNP rs794728121, ClinGen allele CA004352.